The following is an entry in ClinVar:

NM_004656.4(BAP1):c.1429_1434del (p.475AV[1])

Gene: BAP1 (BRCA1 associated deubiquitinase 1; minus strand). Cytogenetic location: 3p21.1.
Variant type: Deletion.
Coding change: c.1429_1434del on transcript NM_004656.4 (MANE Select); coding-DNA positions 1429 to 1434, 6 bases deleted (GCAGTG; older notation c.1429_1434delGCAGTG).
Protein change: p.475AV[1].
Molecular consequence: inframe deletion. On other transcripts: inframe indel (1).
Genome position (GRCh38, 1-based): chr3:52,403,711-52,403,716, CACTGC deleted on the plus strand (GCAGTG on the coding strand, the reverse complement: BAP1 is on the minus strand); deleting any 6 consecutive bases within chr3:52,403,711-52,403,719 gives the same sequence; the c. name uses the placement nearest the transcript's 3' end. VCF-style (leftmost placement, unchanged base first): chr3-52403710-GCACTGC-G. GRCh37 (hg19) VCF-style: chr3-52437726-GCACTGC-G.
Other names: c.1375_1380del, p.457AV[1] (NM_001410772.1); c.1429_1434delGCAGTG (NM_004656.2).
Identifiers: ClinVar variation 2565163 (VCV002565163.2), dbSNP rs2471329119, ClinGen allele CA2580616484.

ClinVar aggregate classification (germline): Uncertain significance (1 of 4 stars; one submission).

Conditions:
Hereditary cancer-predisposing syndrome. Also called: Neoplastic Syndromes, Hereditary; Hereditary Cancer Syndrome; Hereditary neoplastic syndrome; Tumor predisposition. Identifiers: Orphanet 140162, MedGen C0027672, MeSH D009386, MONDO:0015356.

Submission:

Ambry Genetics
Classification: Uncertain significance for Hereditary cancer-predisposing syndrome. Last evaluated: 2023-04-17. Review status: criteria provided, single submitter. Criteria: Ambry Variant Classification Scheme 2023. Collection method: clinical testing. Allele origin: germline.
Comment: The c.1429_1434delGCAGTG variant (also known as p.A477_V478del) is located in coding exon 13 of the BAP1 gene. This variant results from an in-frame GCAGTG deletion at nucleotide positions 1429 to 1434. This results in the in-frame deletion of 2 amino acids (AV) at codons 477 to 478. These amino acid positions are well conserved in available vertebrate species. In addition, this alteration is predicted to be neutral by in silico analysis (Choi Y et al. PLoS ONE. 2012; 7(10):e46688). Since supporting evidence is limited at this time, the clinical significance of this alteration remains unclear.